The following is an entry in ClinVar:

NM_020347.4(LZTFL1):c.352G>A (p.Glu118Lys)

Gene: LZTFL1 (leucine zipper transcription factor like 1; minus strand). Cytogenetic location: 3p21.31.
Variant type: single nucleotide variant.
Coding change: c.352G>A on transcript NM_020347.4 (MANE Select); coding-DNA position 352, G replaced by A.
Protein change: p.Glu118Lys; replaces glutamic acid 118 with lysine.
Molecular consequence: missense variant. On other transcripts: non-coding transcript variant (1).
Genome position (GRCh38, 1-based): chr3:45,834,270, C>T on the plus strand (G>A on the coding strand, the complement: LZTFL1 is on the minus strand). VCF-style: chr3-45834270-C-T. GRCh37 (hg19) VCF-style: chr3-45875762-C-T.
Other names: c.301G>A, p.Glu101Lys (NM_001276378.2, NM_001386451.1, NM_001405922.1 and 4 more transcripts); c.340G>A, p.Glu114Lys (NM_001276379.2, NM_001405921.1); c.352G>A, p.Glu118Lys (NM_001386452.1, NM_001405924.1); c.376G>A, p.Glu126Lys (NM_001405920.1, NM_001405925.1); short protein forms E118K, E101K, E114K, E126K.
Identifiers: ClinVar variation 2114283 (VCV002114283.4), dbSNP rs1700908749, ClinGen allele CA352452136.

ClinVar aggregate classification (germline): Uncertain significance (1 of 4 stars; one submission).

Allele frequency attached by ClinVar (database versions not stated): TOPMed below 0.00001.

Submission:

Labcorp Genetics (formerly Invitae), Labcorp
Classification: Uncertain significance. Last evaluated: 2022-04-02. Review status: criteria provided, single submitter. Criteria: Invitae Variant Classification Sherloc (09022015). Collection method: clinical testing. Allele origin: germline.
Comment: In summary, the available evidence is currently insufficient to determine the role of this variant in disease. Therefore, it has been classified as a Variant of Uncertain Significance. Algorithms developed to predict the effect of missense changes on protein structure and function are either unavailable or do not agree on the potential impact of this missense change (SIFT: "Deleterious"; PolyPhen-2: "Probably Damaging"; Align-GVGD: "Class C0"). This variant has not been reported in the literature in individuals affected with LZTFL1-related conditions. This variant is not present in population databases (gnomAD no frequency). This sequence change replaces glutamic acid, which is acidic and polar, with lysine, which is basic and polar, at codon 118 of the LZTFL1 protein (p.Glu118Lys).